The following is an entry in ClinVar:

ClinVar aggregate classification (germline): Pathogenic (1 of 4 stars; one submission).

Submission:

Labcorp Genetics (formerly Invitae), Labcorp
Classification: Pathogenic. Last evaluated: 2022-09-29. Review status: criteria provided, single submitter. Criteria: Invitae Variant Classification Sherloc (09022015). Collection method: clinical testing. Allele origin: germline.
Comment: For these reasons, this variant has been classified as Pathogenic. This variant has not been reported in the literature in individuals affected with DENND5A-related conditions. This variant is a gross deletion of the genomic region encompassing exon(s) 1 of the DENND5A gene, which includes the initiator codon. This deletion extends beyond the assayed region for this gene and therefore may encompass additional genes. It is expected to result in an absent or disrupted protein product. Loss-of-function variants in DENND5A are known to be pathogenic (PMID: 27431290, 27866705).

Literature cited by the submitters: PubMed 27431290; PubMed 27866705.

NC_000011.9:g.(?_9286488)_(9286616_?)del

Gene: DENND5A (DENN domain containing 5A; minus strand). Cytogenetic location: 11p15.4.
Variant type: Deletion.
Identifiers: ClinVar variation 2426099 (VCV002426099.4).